The following is an entry in ClinVar:

ClinVar aggregate classification (germline): Likely pathogenic (1 of 4 stars; one submission).

Conditions:
Alstrom syndrome (ALMS). Identifiers: Orphanet 64, MedGen C0268425, MONDO:0008763, OMIM 203800.

Submission:

Natera, Inc.
Classification: Likely pathogenic for Alstrom syndrome. Last evaluated: 2025-12-19. Review status: criteria provided, single submitter. Criteria: Natera Variant Classification Schema (03/2026). Collection method: clinical testing. Allele origin: germline.
Comment: The c.8358_8361dup variant in ALMS1 is a frameshift variant predicted to shift the reading frame beginning at codon 2788 and leads to a stop codon 7 codons downstream. This variant is expected to result in nonsense mediated decay, truncation, or a dysfunctional protein product. This variant is rare in the general population with a frequency below the threshold expected for the associated phenotype(s). Given the available evidence, this variant is classified as Likely Pathogenic.

NM_001378454.1(ALMS1):c.8355_8358dup (p.Ile2787fs)

Gene: ALMS1 (ALMS1 centrosome and basal body associated protein; plus strand). Cytogenetic location: 2p13.1.
Variant type: Duplication.
Coding change: c.8355_8358dup on transcript NM_001378454.1 (MANE Select); coding-DNA positions 8355 to 8358, 4 bases duplicated (GACT; older notation c.8355_8358dupGACT).
Protein change: p.Ile2787fs; shifts the reading frame from isoleucine 2787.
Molecular consequence: frameshift variant.
Genome position (GRCh38, 1-based): chr2:73,490,314-73,490,317, GACT duplicated; duplicating any 4 consecutive bases within chr2:73,490,313-73,490,317 gives the same sequence; the c. name uses the placement nearest the transcript's 3' end. VCF-style (leftmost placement, unchanged base first): chr2-73490312-G-GTGAC. GRCh37 (hg19) VCF-style: chr2-73717439-G-GTGAC.
Other names: c.8358_8361dup, p.Ile2788fs (NM_015120.4); short protein forms I2787fs, I2788fs.
Identifiers: ClinVar variation 4815804 (VCV004815804.1).